The following is an entry in ClinVar:

NM_001166114.2(PNPLA6):c.3409C>T (p.Arg1137Cys)

Gene: PNPLA6 (patatin like domain 6, lysophospholipase; plus strand). Cytogenetic location: 19p13.2.
Variant type: single nucleotide variant.
Coding change: c.3409C>T on transcript NM_001166114.2 (MANE Select); coding-DNA position 3409, C replaced by T.
Protein change: p.Arg1137Cys; replaces arginine 1137 with cysteine.
Molecular consequence: missense variant.
Genome position (GRCh38, 1-based): chr19:7,558,861, C>T. VCF-style: chr19-7558861-C-T. GRCh37 (hg19) VCF-style: chr19-7623747-C-T.
Other names: c.3439C>T, p.Arg1147Cys (NM_001166111.2); c.3214C>T, p.Arg1072Cys (NM_001166112.2); c.3295C>T, p.Arg1099Cys (NM_001166113.1, NM_006702.5); short protein forms R1099C, R1137C, R1147C, R1072C.
Identifiers: ClinVar variation 156539 (VCV000156539.10), dbSNP rs587777854, ClinGen allele CA170918.

ClinVar aggregate classification (germline): Pathogenic/Likely pathogenic. Review status: criteria provided, multiple submitters, no conflicts (2 of 4 stars). 4 submissions from 4 submitters: Pathogenic (1); Likely pathogenic (2). 1 of the submissions does not count toward it. Last evaluated 2026-02-09.

Conditions:
PNPLA6-related disorder. Also called: PNPLA6-related disorders; PNPLA6-related condition.
Ataxia-hypogonadism-choroidal dystrophy syndrome (BNHS). Also called: Chorioretinal dystrophy, spinocerebellar ataxia and hypogonadotropic hypogonadism; Boucher-Neuhäuser Syndrome (BNS). Identifiers: Orphanet 1180, MedGen C1859093, MONDO:0008980, OMIM 215470.
Hereditary spastic paraplegia 39 (SPG39). Also called: Spastic Paraplegia Type 39 (SPG39); SPASTIC PARAPLEGIA 39, AUTOSOMAL RECESSIVE. Identifiers: Orphanet 139480, MedGen C2677586, MONDO:0012787, OMIM 612020.

Allele frequency attached by ClinVar (database versions not stated): ExAC 0.00001; gnomAD 0.00002 and 0.00003; TOPMed 0.00002.

Submissions (4):

GeneDx
Classification: Likely pathogenic. Last evaluated: 2026-02-09. Review status: criteria provided, single submitter. Criteria: GeneDx Variant Classification Process June 2021. Collection method: clinical testing. Allele origin: germline.
Comment: Published functional studies demonstrate a damaging effect and show partial loss of PNPLA6 protein-function (PMID: 38735647, 25033069); In silico analysis supports that this missense variant has a deleterious effect on protein structure/function; Not observed at significant frequency in large population cohorts (gnomAD); This variant is associated with the following publications: (PMID: 31780887, 38735647, 25033069)

Blueprint Genetics
Classification: Pathogenic for PNPLA6-related disorders. Last evaluated: 2024-10-04. Review status: criteria provided, single submitter. Criteria: ACMG Guidelines, 2015. Collection method: clinical testing. Allele origin: germline. Affected: yes. Observed: 5 variant alleles.

Labcorp Genetics (formerly Invitae), Labcorp
Classification: Likely pathogenic for Hereditary spastic paraplegia 39. Last evaluated: 2024-08-23. Review status: criteria provided, single submitter. Criteria: Invitae Variant Classification Sherloc (09022015). Collection method: clinical testing. Allele origin: germline.
Comment: This sequence change replaces arginine, which is basic and polar, with cysteine, which is neutral and slightly polar, at codon 1099 of the PNPLA6 protein (p.Arg1099Cys). The frequency data for this variant in the population databases is considered unreliable, as metrics indicate poor data quality at this position in the gnomAD database. This missense change has been observed in individual(s) with Boucher-Neuhäuser syndrome (PMID: 25033069). In at least one individual the data is consistent with being in trans (on the opposite chromosome) from a pathogenic variant. It has also been observed to segregate with disease in related individuals. ClinVar contains an entry for this variant (Variation ID: 156539). Invitae Evidence Modeling of protein sequence and biophysical properties (such as structural, functional, and spatial information, amino acid conservation, physicochemical variation, residue mobility, and thermodynamic stability) indicates that this missense variant is expected to disrupt PNPLA6 protein function with a positive predictive value of 95%. Experimental studies have shown that this missense change affects PNPLA6 function (PMID: 25033069). This variant disrupts the p.Arg1099 amino acid residue in PNPLA6. Other variant(s) that disrupt this residue have been observed in individuals with PNPLA6-related conditions (PMID: 25480986), which suggests that this may be a clinically significant amino acid residue. In summary, the currently available evidence indicates that the variant is pathogenic, but additional data are needed to prove that conclusively. Therefore, this variant has been classified as Likely Pathogenic.

OMIM
Classification: Pathogenic for BOUCHER-NEUHAUSER SYNDROME. Last evaluated: 2014-10-01. Review status: no assertion criteria provided. Collection method: literature only. Allele origin: germline. Not counted in ClinVar's aggregate classification.

Literature cited by the submitters: PubMed 25033069 (cited by Labcorp Genetics (formerly Invitae), Labcorp and OMIM); PubMed 25480986 (cited by Labcorp Genetics (formerly Invitae), Labcorp).